The following is an entry in ClinVar:

ClinVar aggregate classification (germline): Uncertain significance. Review status: criteria provided, multiple submitters, no conflicts (2 of 4 stars). 3 submissions from 3 submitters: Uncertain significance (3). Last evaluated 2026-04-27.

Conditions:
Complex neurodevelopmental disorder. Identifiers: Orphanet 528084, MedGen C5568766, MONDO:0100038.
Inborn genetic diseases. Identifiers: MedGen C0950123, MeSH D030342.

Allele frequency attached by ClinVar (database versions not stated): ESP Exome Variant Server 0.00015; gnomAD exomes 0.00001; ExAC 0.00001; gnomAD 0.00003; TOPMed 0.00004.
gnomAD v4.1: 21 of 1,613,552 alleles (0.0013%); highest among the groups gnomAD compares: Middle Eastern, 0.016%; no homozygotes.

Submissions (3):

Dasa
Classification: Uncertain significance for Complex neurodevelopmental disorder. Last evaluated: 2026-04-27. Review status: criteria provided, single submitter. Criteria: DASA Assertion Criteria. Collection method: clinical testing. Allele origin: germline.
Comment: NM_020338.4(ZMIZ1):c.1490G>A (p.Arg497Lys) is a missense variant that results in the substitution of arginine with lysine. This variant is rare in population databases. The currently available literature and clinical evidence are not sufficient to establish a definitive association between this variant and the reported condition. Therefore, this variant is classified as a variant of uncertain significance.

Labcorp Genetics (formerly Invitae), Labcorp
Classification: Uncertain significance. Last evaluated: 2025-11-28. Review status: criteria provided, single submitter. Criteria: Invitae Variant Classification Sherloc (09022015). Collection method: clinical testing. Allele origin: germline.
Comment: This sequence change replaces arginine, which is basic and polar, with lysine, which is basic and polar, at codon 497 of the ZMIZ1 protein (p.Arg497Lys). This variant is present in population databases (rs148810329, gnomAD 0.003%). This variant has not been reported in the literature in individuals affected with ZMIZ1-related conditions. ClinVar contains an entry for this variant (Variation ID: 2334609). Invitae Evidence Modeling of protein sequence and biophysical properties (such as structural, functional, and spatial information, amino acid conservation, physicochemical variation, residue mobility, and thermodynamic stability) indicates that this missense variant is not expected to disrupt ZMIZ1 protein function with a negative predictive value of 95%. In summary, the available evidence is currently insufficient to determine the role of this variant in disease. Therefore, it has been classified as a Variant of Uncertain Significance.

Ambry Genetics
Classification: Uncertain significance for Inborn genetic diseases. Last evaluated: 2021-08-13. Review status: criteria provided, single submitter. Criteria: Ambry Variant Classification Scheme 2023. Collection method: clinical testing. Allele origin: germline.

NM_020338.4(ZMIZ1):c.1490G>A (p.Arg497Lys)

Gene: ZMIZ1 (zinc finger MIZ-type containing 1; plus strand). Cytogenetic location: 10q22.3.
Variant type: single nucleotide variant.
Coding change: c.1490G>A on transcript NM_020338.4 (MANE Select); coding-DNA position 1490, G replaced by A.
Protein change: p.Arg497Lys; replaces arginine 497 with lysine.
Molecular consequence: missense variant.
Genome position (GRCh38, 1-based): chr10:79,297,689, G>A. VCF-style: chr10-79297689-G-A. GRCh37 (hg19) VCF-style: chr10-81057446-G-A.
Other names: short protein forms R497K.
Identifiers: ClinVar variation 2334609 (VCV002334609.7), dbSNP rs148810329, ClinGen allele CA5572692.
Genomic context (GRCh38, chr10:79,297,689, plus strand): 5'-GACAAAATAACACGTTCTCGGGAAGCAGCTACAGTAACTACAGCCAAGGGAATGTCAACA[G>A]GGTATGTTCCAATTTAATTTACAAATTCTAAGCCACAGGGAGTTGTTGCCTCTAAAGGTT-3'
Protein context (NP_065071.1, residues 487-507): YSNYSQGNVN[Arg497Lys]PPRPVPVANY